The following is an entry in ClinVar:

NM_000430.4(PAFAH1B1):c.399G>C (p.Lys133Asn)

Gene: PAFAH1B1 (platelet activating factor acetylhydrolase 1b regulatory subunit 1; plus strand). Cytogenetic location: 17p13.3.
Variant type: single nucleotide variant.
Coding change: c.399G>C on transcript NM_000430.4 (MANE Select); coding-DNA position 399, G replaced by C.
Protein change: p.Lys133Asn; replaces lysine 133 with asparagine.
Molecular consequence: missense variant.
Genome position (GRCh38, 1-based): chr17:2,667,198, G>C. VCF-style: chr17-2667198-G-C. GRCh37 (hg19) VCF-style: chr17-2570492-G-C.
Other names: short protein forms K133N.
Identifiers: ClinVar variation 3346585 (VCV003346585.2).
Genomic context (GRCh38, chr17:2,667,198, plus strand): 5'-AGTCATTTTCCATCCTGTGTTCAGTGTTATGGTCTCTGCTTCAGAGGATGCTACAATTAA[G>C]GTAATTTTTTGTTAAAAGCAGACTTAACGGGAGGCTGAAGCAGGAGAATGGCATGAACCC-3'
Protein context (NP_000421.1, residues 123-143): MVSASEDATI[Lys133Asn]VWDYETGDFE

ClinVar aggregate classification (germline): Likely pathogenic. Review status: criteria provided, single submitter (1 of 4 stars). 2 submissions from 2 submitters: Likely pathogenic (1). 1 of the submissions does not count toward it. Last evaluated 2025-02-19.

Conditions:
PAFAH1B1-related disorder. Also called: PAFAH1B1-related condition.

Submissions (2):

GeneDx
Classification: Likely pathogenic. Last evaluated: 2025-02-19. Review status: criteria provided, single submitter. Criteria: GeneDx Variant Classification Process June 2021. Collection method: clinical testing. Allele origin: germline. Affected: yes.
Comment: Not observed at significant frequency in large population cohorts (gnomAD); Alters the last nucleotide of the exon and is predicted to damage the splice donor site but the effect on protein function is unclear; In silico analysis supports that this missense variant has a deleterious effect on protein structure/function; Has not been previously published as pathogenic or benign to our knowledge

PreventionGenetics, part of Exact Sciences
Classification: Uncertain significance for PAFAH1B1-related condition. Last evaluated: 2024-04-05. Review status: no assertion criteria provided. Collection method: clinical testing. Allele origin: germline. Not counted in ClinVar's aggregate classification.
Comment: The PAFAH1B1 c.399G>C variant is predicted to result in the amino acid substitution p.Lys133Asn. To our knowledge, this variant has not been reported in the literature or in a large population database, indicating this variant is rare. At this time, the clinical significance of this variant is uncertain due to the absence of conclusive functional and genetic evidence.